The following is an entry in ClinVar:

ClinVar aggregate classification (germline): Uncertain significance (1 of 4 stars; one submission).

gnomAD v4.1: 1 of 1,614,206 alleles (0.000062%); highest among the groups gnomAD compares: South Asian, 0.0011%; no homozygotes.

Submission:

GeneDx
Classification: Uncertain significance. Last evaluated: 2024-06-13. Review status: criteria provided, single submitter. Criteria: GeneDx Variant Classification Process June 2021. Collection method: clinical testing. Allele origin: germline. Affected: yes.
Comment: Has not been previously published as pathogenic or benign to our knowledge; In silico analysis supports that this missense variant does not alter protein structure/function; Not observed at significant frequency in large population cohorts (gnomAD)

NM_053025.4(MYLK):c.4591A>G (p.Lys1531Glu)

Gene: MYLK (myosin light chain kinase; minus strand). Cytogenetic location: 3q21.1.
Variant type: single nucleotide variant.
Coding change: c.4591A>G on transcript NM_053025.4 (MANE Select); coding-DNA position 4591, A replaced by G.
Protein change: p.Lys1531Glu; replaces lysine 1531 with glutamic acid.
Molecular consequence: missense variant.
Genome position (GRCh38, 1-based): chr3:123,647,252, T>C on the plus strand (A>G on the coding strand, the complement: MYLK is on the minus strand). VCF-style: chr3-123647252-T-C. GRCh37 (hg19) VCF-style: chr3-123366099-T-C.
Other names: c.4063A>G, p.Lys1355Glu (NM_001321309.2); c.4384A>G, p.Lys1462Glu (NM_053026.4, NM_053028.4); c.4591A>G, p.Lys1531Glu (NM_053027.4); short protein forms K1355E, K1462E, K1531E.
Identifiers: ClinVar variation 3390632 (VCV003390632.1).